The following is an entry in ClinVar:

ClinVar aggregate classification (germline): Uncertain significance (1 of 4 stars; one submission).

Conditions:
Hereditary cancer-predisposing syndrome. Also called: Hereditary neoplastic syndrome; Neoplastic Syndromes, Hereditary; Tumor predisposition; Hereditary Cancer Syndrome. Identifiers: Orphanet 140162, MedGen C0027672, MeSH D009386, MONDO:0015356.

Allele frequency attached by ClinVar (database versions not stated): gnomAD exomes below 0.00001.
gnomAD v4.1: 2 of 1,613,878 alleles (0.00012%); highest among the groups gnomAD compares: Non-Finnish European, 0.00017%; no homozygotes.

Submission:

Ambry Genetics
Classification: Uncertain significance for Hereditary cancer-predisposing syndrome. Last evaluated: 2021-12-30. Review status: criteria provided, single submitter. Criteria: Ambry Variant Classification Scheme 2023. Collection method: clinical testing. Allele origin: germline.
Comment: The p.Q2800K variant (also known as c.8398C>A), located in coding exon 56 of the ATM gene, results from a C to A substitution at nucleotide position 8398. The glutamine at codon 2800 is replaced by lysine, an amino acid with similar properties. This amino acid position is conserved. In addition, this alteration is predicted to be tolerated by in silico analysis. Since supporting evidence is limited at this time, the clinical significance of this alteration remains unclear.

NM_000051.4(ATM):c.8398C>A (p.Gln2800Lys)

Genes: ATM (ATM serine/threonine kinase; plus strand), C11orf65 (chromosome 11 open reading frame 65; minus strand). Cytogenetic location: 11q22.3.
Variant type: single nucleotide variant.
Coding change: c.8398C>A on transcript NM_000051.4 (MANE Select); coding-DNA position 8398, C replaced by A.
Protein change: p.Gln2800Lys; replaces glutamine 2800 with lysine.
Molecular consequence: missense variant. On other transcripts: intron variant (2).
Genome position (GRCh38, 1-based): chr11:108,343,351, C>A. VCF-style: chr11-108343351-C-A. GRCh37 (hg19) VCF-style: chr11-108214078-C-A.
Other names: c.8398C>A, p.Gln2800Lys (NM_001351834.2); c.641-34280G>T (NM_001330368.2); c.695-8059G>T (NM_001351110.2); short protein forms Q2800K.
Identifiers: ClinVar variation 1763204 (VCV001763204.2), dbSNP rs2136952289, ClinGen allele CA382516683.
Genomic context (GRCh38, chr11:108,343,351, plus strand): 5'-CTTGTTAACAATGAAGATGGTGCTCATAAAAGATACAGGCCAAATGATTTCAGTGCCTTT[C>A]AGTGCCAAAAGAAAATGATGGTGAGTGACACCCAAAATTAAAGGTTATTGTAAGATTATT-3'
Protein context (NP_000042.3, residues 2790-2810): RYRPNDFSAF[Gln2800Lys]CQKKMMEVQK